The following is an entry in ClinVar:

ClinVar aggregate classification (germline): Conflicting classifications of pathogenicity. Review status: criteria provided, conflicting classifications (1 of 4 stars). 5 submissions from 5 submitters: Uncertain significance (1); Likely benign (4). Last evaluated 2025-11-09.

Conditions:
Glycogen storage disease, type II (IOPD). Also called: POMPE DISEASE, INFANTILE-ONSET; GLYCOGEN STORAGE DISEASE II, INFANTILE-ONSET; ACID ALPHA-GLUCOSIDASE DEFICIENCY, INFANTILE-ONSET; GAA DEFICIENCY, INFANTILE-ONSET; ACID MALTASE DEFICIENCY, INFANTILE-ONSET; Glucosidase acid-1,4-alpha deficiency. Identifiers: Orphanet 365, MedGen C0017921, MONDO:0009290, OMIM 232300.
Cardiovascular phenotype. Identifiers: MedGen CN230736.

Allele frequency attached by ClinVar (database versions not stated): gnomAD exomes below 0.00001 and 0.00001; ExAC 0.00001; gnomAD 0.00001; TOPMed 0.00001.

Submissions (5):

Labcorp Genetics (formerly Invitae), Labcorp
Classification: Likely benign for Glycogen storage disease, type II. Last evaluated: 2025-11-09. Review status: criteria provided, single submitter. Criteria: Invitae Variant Classification Sherloc (09022015). Collection method: clinical testing. Allele origin: germline.

Genome-Nilou Lab
Classification: Likely benign for Glycogen storage disease, type II. Last evaluated: 2021-07-22. Review status: criteria provided, single submitter. Criteria: ACMG Guidelines, 2015. Collection method: clinical testing. Allele origin: germline. Affected: no.

Ambry Genetics
Classification: Likely benign for Cardiovascular phenotype. Last evaluated: 2020-07-30. Review status: criteria provided, single submitter. Criteria: Ambry Variant Classification Scheme 2023. Collection method: clinical testing. Allele origin: germline.

Eurofins Ntd Llc (ga)
Classification: Uncertain significance. Last evaluated: 2017-11-17. Review status: criteria provided, single submitter. Criteria: EGL Classification Definitions 2015. Collection method: clinical testing. Allele origin: germline. Observed: 1 variant allele, 1 heterozygote.

GeneDx
Classification: Likely benign. Last evaluated: 2016-08-29. Review status: criteria provided, single submitter. Criteria: GeneDx Variant Classification (06012015). Collection method: clinical testing. Allele origin: germline. Affected: yes.
Comment: This variant is considered likely benign or benign based on one or more of the following criteria: it is a conservative change, it occurs at a poorly conserved position in the protein, it is predicted to be benign by multiple in silico algorithms, and/or has population frequency not consistent with disease.

NM_000152.5(GAA):c.834G>A (p.Leu278=)

Gene: GAA (alpha glucosidase; plus strand). Cytogenetic location: 17q25.3.
Variant type: single nucleotide variant.
Coding change: c.834G>A on transcript NM_000152.5 (MANE Select); coding-DNA position 834, G replaced by A.
Protein change: p.Leu278=; no amino-acid change (leucine 278 retained).
Molecular consequence: synonymous variant.
Genome position (GRCh38, 1-based): chr17:80,107,698, G>A. VCF-style: chr17-80107698-G-A. GRCh37 (hg19) VCF-style: chr17-78081497-G-A.
Other names: c.834G>A, p.Leu278= (NM_001079803.3, NM_001079804.3); c.834G>A (LRG_673t1).
Identifiers: ClinVar variation 388598 (VCV000388598.16), dbSNP rs776314424, ClinGen allele CA8815023.